The following is an entry in ClinVar:

ClinVar aggregate classification (germline): Uncertain significance (1 of 4 stars; one submission).

Conditions:
Hereditary cancer-predisposing syndrome. Also called: Neoplastic Syndromes, Hereditary; Tumor predisposition; Hereditary neoplastic syndrome; Hereditary Cancer Syndrome. Identifiers: Orphanet 140162, MedGen C0027672, MeSH D009386, MONDO:0015356.
Cardiovascular phenotype. Identifiers: MedGen CN230736.

Submission:

Ambry Genetics
Classification: Uncertain significance for Cardiovascular phenotype; Hereditary cancer-predisposing syndrome. Last evaluated: 2018-12-13. Review status: criteria provided, single submitter. Criteria: Ambry Variant Classification Scheme 2023. Collection method: clinical testing. Allele origin: germline.
Comment: The p.I1761L variant (also known as c.5281A>C), located in coding exon 37 of the NF1 gene, results from an A to C substitution at nucleotide position 5281. The isoleucine at codon 1761 is replaced by leucine, an amino acid with highly similar properties. This amino acid position is well conserved in available vertebrate species. In addition, the in silico prediction for this alteration is inconclusive. Since supporting evidence is limited at this time, the clinical significance of this alteration remains unclear.

NM_001042492.3(NF1):c.5344A>C (p.Ile1782Leu)

Gene: NF1 (neurofibromin 1; plus strand). Cytogenetic location: 17q11.2.
Variant type: single nucleotide variant.
Coding change: c.5344A>C on transcript NM_001042492.3 (MANE Select); coding-DNA position 5344, A replaced by C.
Protein change: p.Ile1782Leu; replaces isoleucine 1782 with leucine.
Molecular consequence: missense variant.
Genome position (GRCh38, 1-based): chr17:31,327,574, A>C. VCF-style: chr17-31327574-A-C. GRCh37 (hg19) VCF-style: chr17-29654592-A-C.
Other names: c.5281A>C, p.Ile1761Leu (NM_000267.4); short protein forms I1761L, I1782L.
Identifiers: ClinVar variation 825613 (VCV000825613.4), dbSNP rs1160436761, ClinGen allele CA399009224.